The following is an entry in ClinVar:

NM_001184.4(ATR):c.5922T>G (p.Ile1974Met)

Gene: ATR (ATR serine/threonine kinase; minus strand). Cytogenetic location: 3q23.
Variant type: single nucleotide variant.
Coding change: c.5922T>G on transcript NM_001184.4 (MANE Select); coding-DNA position 5922, T replaced by G.
Protein change: p.Ile1974Met; replaces isoleucine 1974 with methionine.
Molecular consequence: missense variant.
Genome position (GRCh38, 1-based): chr3:142,493,288, A>C on the plus strand (T>G on the coding strand, the complement: ATR is on the minus strand). VCF-style: chr3-142493288-A-C. GRCh37 (hg19) VCF-style: chr3-142212130-A-C.
Other names: c.5730T>G, p.Ile1910Met (NM_001354579.2); short protein forms I1910M, I1974M.
Identifiers: ClinVar variation 3462572 (VCV003462572.1).

ClinVar aggregate classification (germline): Uncertain significance (1 of 4 stars; one submission).

Conditions:
Inborn genetic diseases. Identifiers: MedGen C0950123, MeSH D030342.

Submission:

Ambry Genetics
Classification: Uncertain significance for Inborn genetic diseases. Last evaluated: 2024-09-01. Review status: criteria provided, single submitter. Criteria: Ambry Variant Classification Scheme 2023. Collection method: clinical testing. Allele origin: germline.
Comment: The p.I1974M variant (also known as c.5922T>G), located in coding exon 35 of the ATR gene, results from a T to G substitution at nucleotide position 5922. The isoleucine at codon 1974 is replaced by methionine, an amino acid with highly similar properties. This amino acid position is conserved. In addition, this alteration is predicted to be tolerated by in silico analysis. Based on the available evidence, the clinical significance of this variant remains unclear.